The following is an entry in ClinVar:

ClinVar aggregate classification (germline): Uncertain significance (1 of 4 stars; one submission).

Conditions:
Loeys-Dietz syndrome 2 (LDS2). Also called: TGFBR2-Related Loeys-Dietz Syndrome; MARFAN SYNDROME, TYPE II; Marfan Syndrome type 2; Marfan like connective tissue disorder; MFS 2; Marfan syndrome, type 2 (formerly). Identifiers: Orphanet 284973, Orphanet 558, MedGen C2674574, MONDO:0012427, OMIM 610168.

gnomAD v4.1: 3 of 1,613,640 alleles (0.00019%); highest among the groups gnomAD compares: Non-Finnish European, 0.00025%; no homozygotes.

Submission:

Labcorp Genetics (formerly Invitae), Labcorp
Classification: Uncertain significance for Loeys-Dietz syndrome 2. Last evaluated: 2022-05-13. Review status: criteria provided, single submitter. Criteria: Invitae Variant Classification Sherloc (09022015). Collection method: clinical testing. Allele origin: germline.
Comment: This variant is not present in population databases (gnomAD no frequency). This sequence change replaces threonine, which is neutral and polar, with proline, which is neutral and non-polar, at codon 154 of the TMPO protein (p.Thr154Pro). This variant has not been reported in the literature in individuals affected with TMPO-related conditions. Algorithms developed to predict the effect of missense changes on protein structure and function output the following: SIFT: "Tolerated"; PolyPhen-2: "Benign"; Align-GVGD: "Class C0". The proline amino acid residue is found in multiple mammalian species, which suggests that this missense change does not adversely affect protein function. In summary, the available evidence is currently insufficient to determine the role of this variant in disease. Therefore, it has been classified as a Variant of Uncertain Significance.

NM_001032283.3(TMPO):c.460A>C (p.Thr154Pro)

Gene: TMPO (thymopoietin; plus strand). Cytogenetic location: 12q23.1.
Variant type: single nucleotide variant.
Coding change: c.460A>C on transcript NM_001032283.3 (MANE Select); coding-DNA position 460, A replaced by C.
Protein change: p.Thr154Pro; replaces threonine 154 with proline.
Molecular consequence: missense variant.
Genome position (GRCh38, 1-based): chr12:98,531,733, A>C. VCF-style: chr12-98531733-A-C. GRCh37 (hg19) VCF-style: chr12-98925511-A-C.
Other names: c.460A>C, p.Thr154Pro (NM_001032284.3, NM_001307975.2, NM_003276.2); short protein forms T154P.
Identifiers: ClinVar variation 1993947 (VCV001993947.4), dbSNP rs2548501708, ClinGen allele CA386151096.